The following is an entry in ClinVar:

NM_000051.4(ATM):c.534T>G (p.Pro178=)

Gene: ATM (ATM serine/threonine kinase; plus strand). Cytogenetic location: 11q22.3.
Variant type: single nucleotide variant.
Coding change: c.534T>G on transcript NM_000051.4 (MANE Select); coding-DNA position 534, T replaced by G.
Protein change: p.Pro178=; no amino-acid change (proline 178 retained).
Molecular consequence: synonymous variant.
Genome position (GRCh38, 1-based): chr11:108,243,990, T>G. VCF-style: chr11-108243990-T-G. GRCh37 (hg19) VCF-style: chr11-108114717-T-G.
Other names: c.534T>G, p.Pro178= (NM_001351834.2).
Identifiers: ClinVar variation 414579 (VCV000414579.17), dbSNP rs1060504293, ClinGen allele CA16613245.
Genomic context (GRCh38, chr11:108,243,990, plus strand): 5'-AATAATTTTTTTTTTTTTTTAAGAATTGTTCTCTGTGTACTTCAGGCTCTATCTGAAACC[T>G]TCACAAGATGTTCATAGAGTTTTAGTGGCTAGAATAATTCATGCTGTTACCAAAGGATGC-3'
Protein context (NP_000042.3, residues 168-188): FSVYFRLYLK[Pro178=]SQDVHRVLVA

ClinVar aggregate classification (germline): Benign/Likely benign. Review status: criteria provided, multiple submitters, no conflicts (2 of 4 stars). 5 submissions from 5 submitters: Benign (1); Likely benign (4). Last evaluated 2025-10-06.

Conditions:
Hereditary cancer-predisposing syndrome. Also called: Tumor predisposition; Neoplastic Syndromes, Hereditary; Hereditary Cancer Syndrome; Hereditary neoplastic syndrome. Identifiers: Orphanet 140162, MedGen C0027672, MeSH D009386, MONDO:0015356.
Familial cancer of breast. Also called: Hereditary breast cancer; BREAST CANCER, FAMILIAL; hereditary breast carcinoma. Identifiers: Orphanet 227535, MedGen C0346153, MONDO:0016419, OMIM 114480. Disease mechanism: loss of function.
Ataxia-telangiectasia syndrome (AT). Also called: Ataxia-telangiectasia; Cerebello-oculocutaneous telangiectasia; Immunodeficiency with ataxia telangiectasia; ATAXIA-TELANGIECTASIA, COMPLEMENTATION GROUP A; ATAXIA-TELANGIECTASIA, FRESNO VARIANT; Ataxia-telangiectasia, complementation group D. Identifiers: Orphanet 100, MedGen C0004135, MONDO:0008840, OMIM 208900.

gnomAD v4.1: 1 of 1,609,926 alleles (0.000062%); highest among the groups gnomAD compares: African/African-American, 0.0013%; no homozygotes.

Submissions (5):

Labcorp Genetics (formerly Invitae), Labcorp
Classification: Likely benign for Ataxia-telangiectasia syndrome. Last evaluated: 2025-10-06. Review status: criteria provided, single submitter. Criteria: Invitae Variant Classification Sherloc (09022015). Collection method: clinical testing. Allele origin: germline.

Center for Genomic Medicine, Rigshospitalet, Copenhagen University Hospital
Classification: Likely benign. Last evaluated: 2025-03-04. Review status: criteria provided, single submitter. Criteria: ACMG Guidelines, 2015. Collection method: clinical testing. Allele origin: germline.

Color Diagnostics, LLC DBA Color Health
Classification: Likely benign for Hereditary cancer-predisposing syndrome. Last evaluated: 2024-08-05. Review status: criteria provided, single submitter. Criteria: ACMG Guidelines, 2015. Collection method: clinical testing. Allele origin: germline.

Myriad Genetics, Inc.
Classification: Benign for Familial cancer of breast. Last evaluated: 2024-04-19. Review status: criteria provided, single submitter. Criteria: Myriad Autosomal Dominant, Autosomal Recessive and X-Linked Classification Criteria (2023). Collection method: clinical testing. Allele origin: unknown.
Comment: This variant is considered benign. This variant is a silent/synonymous amino acid change and it is not expected to impact splicing.

Ambry Genetics
Classification: Likely benign for Hereditary cancer-predisposing syndrome. Last evaluated: 2022-02-06. Review status: criteria provided, single submitter. Criteria: Ambry Variant Classification Scheme 2023. Collection method: clinical testing. Allele origin: germline.